The following is an entry in ClinVar:

NM_000506.5(F2):c.1130+8C>T

Gene: F2 (coagulation factor II, thrombin; plus strand). Cytogenetic location: 11p11.2.
Variant type: single nucleotide variant.
Coding change: c.1130+8C>T on transcript NM_000506.5 (MANE Select); 8 bases into the intron after coding-DNA position 1130, C replaced by T.
Molecular consequence: intron variant.
Genome position (GRCh38, 1-based): chr11:46,726,845, C>T. VCF-style: chr11-46726845-C-T. GRCh37 (hg19) VCF-style: chr11-46748395-C-T.
Other names: c.1130+8C>T (NM_000506.4).
Identifiers: ClinVar variation 2758296 (VCV002758296.4), dbSNP rs751195955, ClinGen allele CA5967180.

ClinVar aggregate classification (germline): Likely benign. Review status: criteria provided, multiple submitters, no conflicts (2 of 4 stars). 2 submissions from 2 submitters: Likely benign (2). Last evaluated 2025-05-27.

Conditions:
Congenital prothrombin deficiency. Also called: Factor II deficiency; Hereditary factor II deficiency disease; HYPOPROTHROMBINEMIA; Inherited hypoprothrombinemia; Congenital factor II deficiency; Inherited prothrombin deficiency. Identifiers: Orphanet 325, MedGen C0272317, MONDO:0013361, OMIM 613679.
F2-related disorder. Also called: F2-related condition; F2-related disorders.

Allele frequency attached by ClinVar (database versions not stated): ExAC 0.00001; gnomAD 0.00003; TOPMed 0.00003.
gnomAD v4.1: 4 of 1,613,506 alleles (0.00025%); highest among the groups gnomAD compares: African/African-American, 0.0053%; no homozygotes.

Submissions (2):

PreventionGenetics, part of Exact Sciences
Classification: Likely benign for F2-related condition. Last evaluated: 2025-05-27. Review status: criteria provided, single submitter. Criteria: ACMG Guidelines, 2015. Collection method: clinical testing. Allele origin: germline.
Comment: This variant is classified as likely benign based on ACMG/AMP sequence variant interpretation guidelines (Richards et al. 2015 PMID: 25741868, with internal and published modifications).

Labcorp Genetics (formerly Invitae), Labcorp
Classification: Likely benign for Congenital prothrombin deficiency. Last evaluated: 2024-01-20. Review status: criteria provided, single submitter. Criteria: Invitae Variant Classification Sherloc (09022015). Collection method: clinical testing. Allele origin: germline.